The following is an entry in ClinVar:

ClinVar aggregate classification (germline): Uncertain significance. Review status: criteria provided, multiple submitters, no conflicts (2 of 4 stars). 2 submissions from 2 submitters: Uncertain significance (2). Last evaluated 2025-10-14.

Conditions:
Hereditary cancer-predisposing syndrome. Also called: Hereditary Cancer Syndrome; Hereditary neoplastic syndrome; Tumor predisposition; Neoplastic Syndromes, Hereditary. Identifiers: Orphanet 140162, MedGen C0027672, MeSH D009386, MONDO:0015356.
Ataxia-telangiectasia syndrome (AT). Also called: Cerebello-oculocutaneous telangiectasia; Immunodeficiency with ataxia telangiectasia; Ataxia-telangiectasia, complementation group E; Ataxia telangiectasia (A-T); LOUIS-BAR SYNDROME; ATAXIA-TELANGIECTASIA, COMPLEMENTATION GROUP A. Identifiers: Orphanet 100, MedGen C0004135, MONDO:0008840, OMIM 208900.

Submissions (2):

Labcorp Genetics (formerly Invitae), Labcorp
Classification: Uncertain significance for Ataxia-telangiectasia syndrome. Last evaluated: 2025-10-14. Review status: criteria provided, single submitter. Criteria: Invitae Variant Classification Sherloc (09022015). Collection method: clinical testing. Allele origin: germline.
Comment: This sequence change replaces tyrosine, which is neutral and polar, with cysteine, which is neutral and slightly polar, at codon 288 of the ATM protein (p.Tyr288Cys). This variant is not present in population databases (gnomAD no frequency). This variant has not been reported in the literature in individuals affected with ATM-related conditions. ClinVar contains an entry for this variant (Variation ID: 2783510). Invitae Evidence Modeling of protein sequence and biophysical properties (such as structural, functional, and spatial information, amino acid conservation, physicochemical variation, residue mobility, and thermodynamic stability) indicates that this missense variant is not expected to disrupt ATM protein function with a negative predictive value of 95%. In summary, the available evidence is currently insufficient to determine the role of this variant in disease. Therefore, it has been classified as a Variant of Uncertain Significance.

Ambry Genetics
Classification: Uncertain significance for Hereditary cancer-predisposing syndrome. Last evaluated: 2025-02-05. Review status: criteria provided, single submitter. Criteria: Ambry Variant Classification Scheme 2023. Collection method: clinical testing. Allele origin: germline.
Comment: The p.Y288C variant (also known as c.863A>G), located in coding exon 6 of the ATM gene, results from an A to G substitution at nucleotide position 863. The tyrosine at codon 288 is replaced by cysteine, an amino acid with highly dissimilar properties. This amino acid position is not well conserved in available vertebrate species. In addition, this alteration is predicted to be tolerated by in silico analysis. Based on the available evidence, the clinical significance of this variant remains unclear.

NM_000051.4(ATM):c.863A>G (p.Tyr288Cys)

Gene: ATM (ATM serine/threonine kinase; plus strand). Cytogenetic location: 11q22.3.
Variant type: single nucleotide variant.
Coding change: c.863A>G on transcript NM_000051.4 (MANE Select); coding-DNA position 863, A replaced by G.
Protein change: p.Tyr288Cys; replaces tyrosine 288 with cysteine.
Molecular consequence: missense variant.
Genome position (GRCh38, 1-based): chr11:108,244,988, A>G. VCF-style: chr11-108244988-A-G. GRCh37 (hg19) VCF-style: chr11-108115715-A-G.
Other names: c.863A>G, p.Tyr288Cys (NM_001351834.2); short protein forms Y288C.
Identifiers: ClinVar variation 2783510 (VCV002783510.4), dbSNP rs2135243100, ClinGen allele CA382529508.
Genomic context (GRCh38, chr11:108,244,988, plus strand): 5'-AACATAGGCTTAATGATTCTTTAAAAGAAGTCATTATTGAATTATTTCAACTGCAAATTT[A>G]TATCCATCATCCGAAAGGAGCCAAAACCCAAGAAAAAGGTATAAAGGAAATGTTTACTGT-3'
Protein context (NP_000042.3, residues 278-298): VIIELFQLQI[Tyr288Cys]IHHPKGAKTQ